The following is an entry in ClinVar:

NM_138576.4(BCL11B):c.2456C>T (p.Thr819Ile)

Gene: BCL11B (BCL11 transcription factor B; minus strand). Cytogenetic location: 14q32.2.
Variant type: single nucleotide variant.
Coding change: c.2456C>T on transcript NM_138576.4 (MANE Select); coding-DNA position 2456, C replaced by T.
Protein change: p.Thr819Ile; replaces threonine 819 with isoleucine.
Molecular consequence: missense variant.
Genome position (GRCh38, 1-based): chr14:99,174,380, G>A on the plus strand (C>T on the coding strand, the complement: BCL11B is on the minus strand). VCF-style: chr14-99174380-G-A. GRCh37 (hg19) VCF-style: chr14-99640717-G-A.
Other names: c.2453C>T, p.Thr818Ile (NM_001282237.2); c.2240C>T, p.Thr747Ile (NM_001282238.2); c.2243C>T, p.Thr748Ile (NM_022898.3); short protein forms T747I, T748I, T818I, T819I.
Identifiers: ClinVar variation 3365735 (VCV003365735.2).

ClinVar aggregate classification (germline): Uncertain significance (1 of 4 stars; one submission).

gnomAD v4.1: 1 of 1,613,522 alleles (0.000062%); highest among the groups gnomAD compares: Middle Eastern, 0.017%; no homozygotes.

Submission:

GeneDx
Classification: Uncertain significance. Last evaluated: 2026-04-29. Review status: criteria provided, single submitter. Criteria: GeneDx Variant Classification Process June 2021. Collection method: clinical testing. Allele origin: germline.
Comment: Not observed at significant frequency in large population cohorts (gnomAD); In silico analysis supports that this missense variant has a deleterious effect on protein structure/function; Has not been previously published as pathogenic or benign to our knowledge